The following is an entry in ClinVar:

NM_052989.3(IFT122):c.748C>T (p.Arg250Cys)

Gene: IFT122 (intraflagellar transport 122; plus strand). Cytogenetic location: 3q21.3.
Variant type: single nucleotide variant.
Coding change: c.748C>T on transcript NM_052989.3 (MANE Select); coding-DNA position 748, C replaced by T.
Protein change: p.Arg250Cys; replaces arginine 250 with cysteine.
Molecular consequence: missense variant.
Genome position (GRCh38, 1-based): chr3:129,469,349, C>T. VCF-style: chr3-129469349-C-T. GRCh37 (hg19) VCF-style: chr3-129188192-C-T.
Other names: c.724C>T, p.Arg242Cys (NM_001280541.2); c.298C>T, p.Arg100Cys (NM_001280545.2); c.121C>T, p.Arg41Cys (NM_001280546.2); c.571C>T, p.Arg191Cys (NM_018262.4); c.901C>T, p.Arg301Cys (NM_052985.4); c.415C>T, p.Arg139Cys (NM_052990.3); c.901C>T (NM_052985.2); short protein forms R100C, R139C, R191C, R242C, R250C, R301C, R41C.
Identifiers: ClinVar variation 1025730 (VCV001025730.5), dbSNP rs373212863, ClinGen allele CA2605978.

ClinVar aggregate classification (germline): Uncertain significance. Review status: criteria provided, multiple submitters, no conflicts (2 of 4 stars). 3 submissions from 3 submitters: Uncertain significance (3). Last evaluated 2025-01-01.

Conditions:
Inborn genetic diseases. Identifiers: MedGen C0950123, MeSH D030342.
Cranioectodermal dysplasia 1 (CED1). Also called: LEVIN SYNDROME I. Identifiers: Orphanet 1515, MedGen C0432235, MONDO:0021093, OMIM 218330.

Allele frequency attached by ClinVar (database versions not stated): gnomAD 0.00001; TOPMed 0.00001; ESP Exome Variant Server 0.00008.

Submissions (3):

Ambry Genetics
Classification: Uncertain significance for Inborn genetic diseases. Last evaluated: 2025-01-01. Review status: criteria provided, single submitter. Criteria: Ambry Variant Classification Scheme 2023. Collection method: clinical testing. Allele origin: germline.

Fulgent Genetics
Classification: Uncertain significance for Cranioectodermal dysplasia 1. Last evaluated: 2024-03-21. Review status: criteria provided, single submitter. Criteria: ACMG Guidelines, 2015. Collection method: clinical testing. Allele origin: germline.

Labcorp Genetics (formerly Invitae), Labcorp
Classification: Uncertain significance for Cranioectodermal dysplasia 1. Last evaluated: 2023-06-05. Review status: criteria provided, single submitter. Criteria: Invitae Variant Classification Sherloc (09022015). Collection method: clinical testing. Allele origin: germline.
Comment: In summary, the available evidence is currently insufficient to determine the role of this variant in disease. Therefore, it has been classified as a Variant of Uncertain Significance. Advanced modeling of protein sequence and biophysical properties (such as structural, functional, and spatial information, amino acid conservation, physicochemical variation, residue mobility, and thermodynamic stability) performed at Invitae indicates that this missense variant is not expected to disrupt IFT122 protein function. ClinVar contains an entry for this variant (Variation ID: 1025730). This variant has not been reported in the literature in individuals affected with IFT122-related conditions. This variant is present in population databases (rs373212863, gnomAD 0.005%). This sequence change replaces arginine, which is basic and polar, with cysteine, which is neutral and slightly polar, at codon 301 of the IFT122 protein (p.Arg301Cys).